The following is an entry in ClinVar:

ClinVar aggregate classification (germline): Uncertain significance. Review status: criteria provided, multiple submitters, no conflicts (2 of 4 stars). 2 submissions from 2 submitters: Uncertain significance (2). Last evaluated 2025-12-08.

Conditions:
Inborn genetic diseases. Identifiers: MedGen C0950123, MeSH D030342.

Submissions (2):

Labcorp Genetics (formerly Invitae), Labcorp
Classification: Uncertain significance. Last evaluated: 2025-12-08. Review status: criteria provided, single submitter. Criteria: Invitae Variant Classification Sherloc (09022015). Collection method: clinical testing. Allele origin: germline.
Comment: This sequence change replaces threonine, which is neutral and polar, with arginine, which is basic and polar, at codon 1123 of the VCAN protein (p.Thr1123Arg). This variant is not present in population databases (gnomAD no frequency). This missense change has been observed in individual(s) with clinical features of VCAN-related conditions (internal data). ClinVar contains an entry for this variant (Variation ID: 1018514). An algorithm developed to predict the effect of missense changes on protein structure and function (PolyPhen-2) suggests that this variant is likely to be disruptive. In summary, the available evidence is currently insufficient to determine the role of this variant in disease. Therefore, it has been classified as a Variant of Uncertain Significance.

Ambry Genetics
Classification: Uncertain significance for Inborn genetic diseases. Last evaluated: 2025-01-21. Review status: criteria provided, single submitter. Criteria: Ambry Variant Classification Scheme 2023. Collection method: clinical testing. Allele origin: germline.

NM_004385.5(VCAN):c.3368C>G (p.Thr1123Arg)

Gene: VCAN (versican; plus strand). Cytogenetic location: 5q14.3.
Variant type: single nucleotide variant.
Coding change: c.3368C>G on transcript NM_004385.5 (MANE Select); coding-DNA position 3368, C replaced by G.
Protein change: p.Thr1123Arg; replaces threonine 1123 with arginine.
Molecular consequence: missense variant. On other transcripts: intron variant (2).
Genome position (GRCh38, 1-based): chr5:83,521,674, C>G. VCF-style: chr5-83521674-C-G. GRCh37 (hg19) VCF-style: chr5-82817493-C-G.
Other names: c.3368C>G, p.Thr1123Arg (NM_001164098.2); c.1042+9278C>G (NM_001164097.2, NM_001126336.3); c.3368C>G (NM_004385.4); short protein forms T1123R.
Identifiers: ClinVar variation 1018514 (VCV001018514.9), dbSNP rs1746107309, ClinGen allele CA360305906.